The following is an entry in ClinVar:

ClinVar aggregate classification (germline): Benign/Likely benign. Review status: criteria provided, multiple submitters, no conflicts (2 of 4 stars). 4 submissions from 4 submitters: Benign (1); Likely benign (3). Last evaluated 2025-12-29.

Allele frequency attached by ClinVar (database versions not stated): TOPMed 0.00018; ESP Exome Variant Server 0.00031; gnomAD exomes 0.00033 and 0.00041; gnomAD 0.00037 and 0.00039; ExAC 0.00038; 1000 Genomes Project 0.00040; 1000 Genomes Project 30x 0.00047.
gnomAD v4.1: 540 of 1,613,996 alleles (0.033%); highest among the groups gnomAD compares: Non-Finnish European, 0.028%; no homozygotes.

Submissions (4):

Labcorp Genetics (formerly Invitae), Labcorp
Classification: Benign. Last evaluated: 2025-12-29. Review status: criteria provided, single submitter. Criteria: Invitae Variant Classification Sherloc (09022015). Collection method: clinical testing. Allele origin: germline.

Mayo Clinic Laboratories, Mayo Clinic
Classification: Likely benign. Last evaluated: 2025-10-02. Review status: criteria provided, single submitter. Criteria: ACMG Guidelines, 2015. Collection method: clinical testing. Allele origin: germline. Observed: 1 variant allele.
Comment: BP4, BP7

CeGaT Center for Human Genetics Tuebingen
Classification: Likely benign. Last evaluated: 2025-07-01. Review status: criteria provided, single submitter. Criteria: CeGaT Center For Human Genetics Tuebingen Variant Classification Criteria Version 2. Collection method: clinical testing. Allele origin: germline. Affected: yes. Observed: 4 variant alleles.
Comment: MCM3AP: BP4, BP7

Blueprint Genetics
Classification: Likely benign. Last evaluated: 2024-11-14. Review status: criteria provided, single submitter. Criteria: ACMG Guidelines, 2015. Collection method: clinical testing. Allele origin: germline.

NM_003906.5(MCM3AP):c.3111G>A (p.Ala1037=)

Gene: MCM3AP (minichromosome maintenance complex component 3 associated protein; minus strand). Cytogenetic location: 21q22.3.
Variant type: single nucleotide variant.
Coding change: c.3111G>A on transcript NM_003906.5 (MANE Select); coding-DNA position 3111, G replaced by A.
Protein change: p.Ala1037=; no amino-acid change (alanine 1037 retained).
Molecular consequence: synonymous variant.
Genome position (GRCh38, 1-based): chr21:46,265,444, C>T on the plus strand (G>A on the coding strand, the complement: MCM3AP is on the minus strand). VCF-style: chr21-46265444-C-T. GRCh37 (hg19) VCF-style: chr21-47685358-C-T.
Other names: p.Ala1037=.
Identifiers: ClinVar variation 1620647 (VCV001620647.34), dbSNP rs140919687, ClinGen allele CA10076616.